The following is an entry in ClinVar:

NM_000051.4(ATM):c.8435_8436del (p.Ser2812fs)

Genes: C11orf65 (chromosome 11 open reading frame 65; minus strand), ATM (ATM serine/threonine kinase; plus strand). Cytogenetic location: 11q22.3.
Variant type: Deletion.
Coding change: c.8435_8436del on transcript NM_000051.4 (MANE Select); coding-DNA positions 8435 to 8436, 2 bases deleted (CT; older notation c.8435_8436delCT).
Protein change: p.Ser2812fs; shifts the reading frame from serine 2812.
Molecular consequence: frameshift variant. On other transcripts: intron variant (2).
Genome position (GRCh38, 1-based): chr11:108,345,759-108,345,760, CT deleted; deleting any 2 consecutive bases within chr11:108,345,758-108,345,760 gives the same sequence; the c. name uses the placement nearest the transcript's 3' end. VCF-style (leftmost placement, unchanged base first): chr11-108345757-GTC-G. GRCh37 (hg19) VCF-style: chr11-108216484-GTC-G.
Other names: c.8435_8436delCT, p.Ser2812Phefs (NM_000051.3); c.8435_8436del, p.Ser2812fs (NM_001351834.2); c.641-36688_641-36687del (NM_001330368.2); c.695-10467_695-10466del (NM_001351110.2); short protein forms S2812fs.
Identifiers: ClinVar variation 407667 (VCV000407667.17), dbSNP rs767533596, ClinGen allele CA6266370.

ClinVar aggregate classification (germline): Pathogenic. Review status: criteria provided, multiple submitters, no conflicts (2 of 4 stars). 6 submissions from 6 submitters: Pathogenic (6). Last evaluated 2025-08-25.

Conditions:
Hereditary cancer-predisposing syndrome. Also called: Neoplastic Syndromes, Hereditary; Hereditary Cancer Syndrome; Tumor predisposition; Hereditary neoplastic syndrome. Identifiers: Orphanet 140162, MedGen C0027672, MeSH D009386, MONDO:0015356.
Familial cancer of breast. Also called: Hereditary breast cancer; BREAST CANCER, FAMILIAL; hereditary breast carcinoma. Identifiers: Orphanet 227535, MedGen C0346153, MONDO:0016419, OMIM 114480. Disease mechanism: loss of function.
Ataxia-telangiectasia syndrome (AT). Also called: LOUIS-BAR SYNDROME; Cerebello-oculocutaneous telangiectasia; Immunodeficiency with ataxia telangiectasia; Ataxia-telangiectasia, complementation group D; AT, COMPLEMENTATION GROUP C; Ataxia-telangiectasia, complementation group E. Identifiers: Orphanet 100, MedGen C0004135, MONDO:0008840, OMIM 208900.

Submissions (6):

Labcorp Genetics (formerly Invitae), Labcorp
Classification: Pathogenic for Ataxia-telangiectasia syndrome. Last evaluated: 2025-08-25. Review status: criteria provided, single submitter. Criteria: Invitae Variant Classification Sherloc (09022015). Collection method: clinical testing. Allele origin: germline.
Comment: This sequence change creates a premature translational stop signal (p.Ser2812Phefs*2) in the ATM gene. It is expected to result in an absent or disrupted protein product. Loss-of-function variants in ATM are known to be pathogenic (PMID: 23807571, 25614872). This variant is present in population databases (rs767533596, gnomAD 0.02%). This premature translational stop signal has been observed in individual(s) with breast cancer (PMID: 26824983). This variant is also known as c.8434_8435delTC. ClinVar contains an entry for this variant (Variation ID: 407667). For these reasons, this variant has been classified as Pathogenic.

GeneDx
Classification: Pathogenic. Last evaluated: 2024-07-03. Review status: criteria provided, single submitter. Criteria: GeneDx Variant Classification Process June 2021. Collection method: clinical testing. Allele origin: germline. Affected: yes.
Comment: Frameshift variant predicted to result in protein truncation or nonsense mediated decay in a gene for which loss-of-function is a known mechanism of disease; Not observed at a significant frequency in large population cohorts (gnomAD); Truncating variants in this gene are considered pathogenic by a well-established clinical consortium and/or database; This variant is associated with the following publications: (PMID: 36095024, 31481248, 29922827, 32963463, 34653963, 38061547, 33649982, 26824983, 32068069, 36978154)

Color Diagnostics, LLC DBA Color Health
Classification: Pathogenic for Hereditary cancer-predisposing syndrome. Last evaluated: 2024-04-08. Review status: criteria provided, single submitter. Criteria: ACMG Guidelines, 2015. Collection method: clinical testing. Allele origin: germline.
Comment: This variant deletes 2 nucleotides in exon 58 of the ATM gene, creating a frameshift and premature translation stop signal. This variant is expected to result in an absent or non-functional protein product. To our knowledge, functional studies have not been reported for this variant. This variant has been reported in individuals affected with with early-onset or familial breast cancer (PMID: 26824983, 32068069), gastric adenocarcinoma (PMID: 32963463), prostate cancer (PMID: 34653963), pancreas cancer and/or colon cancer (PMID: 33649982, 38355628). In addition, this variant has been reported in trans with a variant of uncertain significance in an individual affected with ataxia-telangiectasia (DOI: 10.1016/j.anai.2023.08.437). This variant has been identified in 3/250672 chromosomes in the general population by the Genome Aggregation Database (gnomAD). Loss of ATM function is a known mechanism of disease. Based on the available evidence, this variant is classified as Pathogenic.

Myriad Genetics, Inc.
Classification: Pathogenic for Familial cancer of breast. Last evaluated: 2024-02-02. Review status: criteria provided, single submitter. Criteria: Myriad Autosomal Dominant, Autosomal Recessive and X-Linked Classification Criteria (2023). Collection method: clinical testing. Allele origin: unknown.
Comment: This variant is considered pathogenic. This variant creates a frameshift predicted to result in premature protein truncation.

Baylor Genetics
Classification: Pathogenic for Familial cancer of breast. Last evaluated: 2023-10-18. Review status: criteria provided, single submitter. Criteria: ACMG Guidelines, 2015. Collection method: clinical testing. Allele origin: unknown.

Ambry Genetics
Classification: Pathogenic for Hereditary cancer-predisposing syndrome. Last evaluated: 2023-03-23. Review status: criteria provided, single submitter. Criteria: Ambry Variant Classification Scheme 2023. Collection method: clinical testing. Allele origin: germline.
Comment: The c.8435_8436delCT pathogenic mutation, located in coding exon 57 of the ATM gene, results from a deletion of two nucleotides at nucleotide positions 8435 to 8436, causing a translational frameshift with a predicted alternate stop codon (p.S2812Ffs*2). This alteration was identified amongst cohorts of 1836 Chinese prostate cancer patients, 282 Chinese gastric cancer patients, and 1338 Chinese high-risk breast cancer patients (Zhu Y et al. J Natl Compr Canc Netw, 2021 Oct;20:54-62; Ji K et al. Chin J Cancer Res, 2020 Aug;32:508-515; Kwong A et al. J Mol Diagn, 2020 Apr;22:544-554). In addition to the clinical data presented in the literature, this alteration is expected to result in loss of function by premature protein truncation or nonsense-mediated mRNA decay. As such, this alteration is interpreted as a disease-causing mutation.

Literature cited by the submitters: PubMed 23807571 (cited by Labcorp Genetics (formerly Invitae), Labcorp); PubMed 25614872 (cited by Labcorp Genetics (formerly Invitae), Labcorp); PubMed 26824983 (cited by Labcorp Genetics (formerly Invitae), Labcorp and Color Diagnostics, LLC DBA Color Health); PubMed 32068069 (cited by Color Diagnostics, LLC DBA Color Health and Ambry Genetics); PubMed 32963463 (cited by Color Diagnostics, LLC DBA Color Health and Ambry Genetics); PubMed 33649982 (cited by Color Diagnostics, LLC DBA Color Health); PubMed 34653963 (cited by Color Diagnostics, LLC DBA Color Health and Ambry Genetics); PubMed 38355628 (cited by Color Diagnostics, LLC DBA Color Health).